The following is an entry in ClinVar:

ClinVar aggregate classification (germline): Likely benign (1 of 4 stars; one submission).

Conditions:
Catecholaminergic polymorphic ventricular tachycardia (CVPT). Also called: Catecholamine-induced polymorphic ventricular tachycardia. Identifiers: Orphanet 3286, MedGen C5574922, MONDO:0017990.

Submission:

All of Us Research Program, National Institutes of Health
Classification: Likely benign for Catecholaminergic polymorphic ventricular tachycardia. Last evaluated: 2023-11-02. Review status: criteria provided, single submitter. Criteria: ACMG Guidelines, 2015. Collection method: clinical testing. Allele origin: germline. Inheritance: Autosomal dominant inheritance. Observed: 1 variant allele, 1 heterozygote.
Comment: This study involves interpretation of variants in research participants for the purpose of population health screening. Participant phenotype was not available at the time of variant classification. Additional details can be found in publication PMID: 35346344, PMCID: PMC8962531

NM_001035.3(RYR2):c.4509T>C (p.Asn1503=)

Gene: RYR2 (ryanodine receptor 2; plus strand). Cytogenetic location: 1q43.
Variant type: single nucleotide variant.
Coding change: c.4509T>C on transcript NM_001035.3 (MANE Select); coding-DNA position 4509, T replaced by C.
Protein change: p.Asn1503=; no amino-acid change (asparagine 1503 retained).
Molecular consequence: synonymous variant.
Genome position (GRCh38, 1-based): chr1:237,595,570, T>C. VCF-style: chr1-237595570-T-C. GRCh37 (hg19) VCF-style: chr1-237758870-T-C.
Identifiers: ClinVar variation 3074273 (VCV003074273.1), dbSNP rs2546655197, ClinGen allele CA423820384.